The following is an entry in ClinVar:

NM_000090.4(COL3A1):c.754G>A (p.Gly252Ser)

Gene: COL3A1 (collagen type III alpha 1 chain; plus strand). Cytogenetic location: 2q32.2.
Variant type: single nucleotide variant.
Coding change: c.754G>A on transcript NM_000090.4 (MANE Select); coding-DNA position 754, G replaced by A.
Protein change: p.Gly252Ser; replaces glycine 252 with serine.
Molecular consequence: missense variant.
Genome position (GRCh38, 1-based): chr2:188,990,316, G>A. VCF-style: chr2-188990316-G-A. GRCh37 (hg19) VCF-style: chr2-189855042-G-A.
Other names: short protein forms G252S.
Identifiers: ClinVar variation 2120816 (VCV002120816.5), dbSNP rs587779705, ClinGen allele CA349849142.

ClinVar aggregate classification (germline): Pathogenic/Likely pathogenic. Review status: criteria provided, multiple submitters, no conflicts (2 of 4 stars). 2 submissions from 2 submitters: Pathogenic (1); Likely pathogenic (1). Last evaluated 2024-09-18.

Conditions:
Familial thoracic aortic aneurysm and aortic dissection (TAAD). Also called: Thoracic aortic aneurysms and dissections. Identifiers: Orphanet 91387, MedGen C4707243, MONDO:0019625.
Ehlers-Danlos syndrome, type 4 (EDSVASC). Also called: Ehlers-Danlos syndrome vascular type; Ehlers Danlos syndrome, ecchymotic type; Ehlers Danlos syndrome, arterial type; Ehlers Danlos syndrome, Sack-Barabas type; Ehlers-Danlos Syndrome Type IV. Identifiers: Orphanet 286, MedGen C0268338, MONDO:0017314, OMIM 130050.

Submissions (2):

Ambry Genetics
Classification: Likely pathogenic for Familial thoracic aortic aneurysm and aortic dissection. Last evaluated: 2024-09-18. Review status: criteria provided, single submitter. Criteria: Ambry Variant Classification Scheme 2023. Collection method: clinical testing. Allele origin: germline.
Comment: The p.G252S variant (also known as c.754G>A), located in coding exon 10 of the COL3A1 gene, results from a G to A substitution at nucleotide position 754. The glycine at codon 252 is replaced by serine, an amino acid with similar properties. The majority (approximately two-thirds) ofCOL3A1mutations identified to date have involved the substitution of another amino acid for glycine within the triple-helical domain (PepinMG et al.GenetMed.2014;16(12):881-8; Frank M et al.Eur J Hum Genet. 2015;23(12):1657-64). Internal structural analysis indicates that this alteration disrupts the characteristic G-X-Y motif in theCOL3A1protein and inserts a bulky side chain into asterically-constrainedregion (Bella J et al.Science.1994;266:75-81;HohenesterE et al.Proc. Natl.Acad. Sci. U.S.A.2008;105:18273-7; Ambry internal data). This alteration has been reported in individuals with concerns for vascular Ehlers-Danlos syndrome (EDS) (Yamaguchi T et al. Am J Med Genet A, 2023 Jan;191:37-51; Ambry internal data). This variant is considered to be rare based on population cohorts in the Genome Aggregation Database (gnomAD). This amino acid position is highly conserved in available vertebrate species. In addition, this alteration is predicted to be deleterious by in silico analysis. Based on the majority of available evidence to date, this variant is likely to be pathogenic.

Labcorp Genetics (formerly Invitae), Labcorp
Classification: Pathogenic for Ehlers-Danlos syndrome, type 4. Last evaluated: 2022-04-02. Review status: criteria provided, single submitter. Criteria: Invitae Variant Classification Sherloc (09022015). Collection method: clinical testing. Allele origin: germline.
Comment: This sequence change replaces glycine, which is neutral and non-polar, with serine, which is neutral and polar, at codon 252 of the COL3A1 protein (p.Gly252Ser). This variant is not present in population databases (gnomAD no frequency). This missense change has been observed in individual(s) with COL3A1-related conditions (Invitae). Advanced modeling of protein sequence and biophysical properties (such as structural, functional, and spatial information, amino acid conservation, physicochemical variation, residue mobility, and thermodynamic stability) performed at Invitae indicates that this missense variant is expected to disrupt COL3A1 protein function. This variant disrupts the triple helix domain of COL3A1. Glycine residues within the Gly-Xaa-Yaa repeats of the triple helix domain are required for the structure and stability of fibrillar collagens (PMID: 7695699, 8218237, 19344236). In COL3A1, variants that affect these glycine residues are significantly enriched in individuals with disease (PMID: 24922459, 25758994) compared to the general population (ExAC). This variant disrupts the p.Gly252 amino acid residue in COL3A1. Other variant(s) that disrupt this residue have been observed in individuals with COL3A1-related conditions (PMID: 22038052, 30474650), which suggests that this may be a clinically significant amino acid residue. For these reasons, this variant has been classified as Pathogenic.

Literature cited by the submitters: PubMed 36189931 (cited by Ambry Genetics); PubMed 7695699 (cited by Labcorp Genetics (formerly Invitae), Labcorp); PubMed 8218237 (cited by Labcorp Genetics (formerly Invitae), Labcorp); PubMed 19344236 (cited by Labcorp Genetics (formerly Invitae), Labcorp); PubMed 24922459 (cited by Labcorp Genetics (formerly Invitae), Labcorp); PubMed 25758994 (cited by Labcorp Genetics (formerly Invitae), Labcorp); PubMed 22038052 (cited by Labcorp Genetics (formerly Invitae), Labcorp); PubMed 30474650 (cited by Labcorp Genetics (formerly Invitae), Labcorp).